The following is an entry in ClinVar:

NM_001267550.2(TTN):c.47269+2T>C

Genes: TTN (titin; minus strand), TTN-AS1 (TTN antisense RNA 1; plus strand). Cytogenetic location: 2q31.2.
Variant type: single nucleotide variant.
Coding change: c.47269+2T>C on transcript NM_001267550.2 (MANE Select); the canonical splice donor site of the intron after coding-DNA position 47269, T replaced by C.
Molecular consequence: splice donor variant.
Genome position (GRCh38, 1-based): chr2:178,618,187, A>G on the plus strand (T>C on the coding strand, the complement: TTN is on the minus strand). VCF-style: chr2-178618187-A-G. GRCh37 (hg19) VCF-style: chr2-179482914-A-G.
Other names: c.20074+2T>C (NM_003319.4); c.20650+2T>C (NM_133437.4); c.20449+2T>C (NM_133432.3); c.39565+2T>C (NM_133378.4); c.42346+2T>C (NM_001256850.1).
Identifiers: ClinVar variation 404709 (VCV000404709.13), dbSNP rs1060500419, ClinGen allele CA16610398.

ClinVar aggregate classification (germline): Likely pathogenic. Review status: criteria provided, multiple submitters, no conflicts (2 of 4 stars). 2 submissions from 2 submitters: Likely pathogenic (2). Last evaluated 2023-04-07.

Conditions:
Dilated cardiomyopathy 1G (CMD1G). Identifiers: Orphanet 154, MedGen C1858763, MONDO:0011400, OMIM 604145.
Autosomal recessive limb-girdle muscular dystrophy type 2J (LGMDR10). Also called: MUSCULAR DYSTROPHY, LIMB-GIRDLE, AUTOSOMAL RECESSIVE 10; Limb-girdle muscular dystrophy, type 2J. Identifiers: Orphanet 140922, MedGen C1837342, MONDO:0012127, OMIM 608807.

Submissions (2):

Labcorp Genetics (formerly Invitae), Labcorp
Classification: Likely pathogenic for Dilated cardiomyopathy 1G; Autosomal recessive limb-girdle muscular dystrophy type 2J. Last evaluated: 2023-04-07. Review status: criteria provided, single submitter. Criteria: Invitae Variant Classification Sherloc (09022015). Collection method: clinical testing. Allele origin: germline.
Comment: In summary, the currently available evidence indicates that the variant is pathogenic, but additional data are needed to prove that conclusively. Therefore, this variant has been classified as Likely Pathogenic. This variant is located in the A band of TTN (PMID: 25589632). Truncating variants in this region are significantly overrepresented in patients affected with dilated cardiomyopathy (PMID: 25589632). Truncating variants in this region have also been reported in individuals affected with autosomal recessive centronuclear myopathy (PMID: 23975875). Algorithms developed to predict the effect of sequence changes on RNA splicing suggest that this variant may disrupt the consensus splice site. ClinVar contains an entry for this variant (Variation ID: 404709). This variant has not been reported in the literature in individuals affected with TTN-related conditions. This variant is not present in population databases (gnomAD no frequency). This sequence change affects a donor splice site in intron 252 of the TTN gene. It is expected to disrupt RNA splicing and likely results in a truncated or disrupted TTN protein.

Stanford Center for Inherited Cardiovascular Disease, Stanford University
Classification: Likely pathogenic. Last evaluated: 2016-07-12. Review status: criteria provided, single submitter. Criteria: ACMG Guidelines, 2015. Collection method: provider interpretation. Allele origin: germline.

Literature cited by the submitters: PubMed 25589632 (cited by Labcorp Genetics (formerly Invitae), Labcorp); PubMed 23975875 (cited by Labcorp Genetics (formerly Invitae), Labcorp).